The following is an entry in ClinVar:

ClinVar aggregate classification (germline): Uncertain significance. Review status: criteria provided, multiple submitters, no conflicts (2 of 4 stars). 2 submissions from 2 submitters: Uncertain significance (2). Last evaluated 2024-10-23.

Allele frequency attached by ClinVar (database versions not stated): ESP Exome Variant Server 0.00008; ExAC 0.00009; gnomAD exomes 0.00010 and 0.00012; gnomAD 0.00014 and 0.00015; TOPMed 0.00020.
gnomAD v4.1: 192 of 1,603,762 alleles (0.012%); highest among the groups gnomAD compares: Non-Finnish European, 0.015%; no homozygotes.

Submissions (2):

Labcorp Genetics (formerly Invitae), Labcorp
Classification: Uncertain significance. Last evaluated: 2024-10-23. Review status: criteria provided, single submitter. Criteria: Invitae Variant Classification Sherloc (09022015). Collection method: clinical testing. Allele origin: germline.
Comment: This sequence change replaces proline, which is neutral and non-polar, with leucine, which is neutral and non-polar, at codon 872 of the TMEM132E protein (p.Pro872Leu). This variant is present in population databases (rs376143652, gnomAD 0.02%). This variant has not been reported in the literature in individuals affected with TMEM132E-related conditions. ClinVar contains an entry for this variant (Variation ID: 1490195). Experimental studies and prediction algorithms are not available or were not evaluated, and the functional significance of this variant is currently unknown. In summary, the available evidence is currently insufficient to determine the role of this variant in disease. Therefore, it has been classified as a Variant of Uncertain Significance.

Ambry Genetics
Classification: Uncertain significance. Last evaluated: 2022-05-18. Review status: criteria provided, single submitter. Criteria: Ambry Variant Classification Scheme 2023. Collection method: clinical testing. Allele origin: germline.

NM_001304438.2(TMEM132E):c.2615C>T (p.Pro872Leu)

Gene: TMEM132E (transmembrane protein 132E; plus strand). Cytogenetic location: 17q12.
Variant type: single nucleotide variant.
Coding change: c.2615C>T on transcript NM_001304438.2 (MANE Select); coding-DNA position 2615, C replaced by T.
Protein change: p.Pro872Leu; replaces proline 872 with leucine.
Molecular consequence: missense variant.
Genome position (GRCh38, 1-based): chr17:34,637,622, C>T. VCF-style: chr17-34637622-C-T. GRCh37 (hg19) VCF-style: chr17-32964641-C-T.
Other names: NM_207313.1:c.2345C>T; short protein forms P872L.
Identifiers: ClinVar variation 1490195 (VCV001490195.8), dbSNP rs376143652, ClinGen allele CA8497006.